The following is an entry in ClinVar:

NM_000520.6(HEXA):c.1253C>A (p.Ala418Asp)

Gene: HEXA (hexosaminidase subunit alpha; minus strand). Cytogenetic location: 15q23.
Variant type: single nucleotide variant.
Coding change: c.1253C>A on transcript NM_000520.6 (MANE Select); coding-DNA position 1253, C replaced by A.
Protein change: p.Ala418Asp; replaces alanine 418 with aspartic acid.
Molecular consequence: missense variant.
Genome position (GRCh38, 1-based): chr15:72,346,604, G>T on the plus strand (C>A on the coding strand, the complement: HEXA is on the minus strand). VCF-style: chr15-72346604-G-T. GRCh37 (hg19) VCF-style: chr15-72638945-G-T.
Other names: c.1286C>A, p.Ala429Asp (NM_001318825.2); c.1253C>A (NM_000520.5); short protein forms A418D, A429D.
Identifiers: ClinVar variation 2168000 (VCV002168000.5), dbSNP rs201471936, ClinGen allele CA393060805.

ClinVar aggregate classification (germline): Uncertain significance. Review status: criteria provided, multiple submitters, no conflicts (2 of 4 stars). 3 submissions from 3 submitters: Uncertain significance (2). 1 of the submissions does not count toward it. Last evaluated 2025-03-06.

Conditions:
Tay-Sachs disease (TSD). Also called: GM2 gangliosidosis, type 1; Hexosaminidase alpha-subunit deficiency (variant B); Sphingolipidosis, Tay-Sachs; Hexosaminidase A Deficiency; HEXA DEFICIENCY; HEXA Disorders. Identifiers: Orphanet 845, MedGen C0039373, MONDO:0010100, OMIM 272800.

Submissions (3):

3billion
Classification: Uncertain significance for Tay-Sachs disease. Last evaluated: 2025-03-06. Review status: criteria provided, single submitter. Criteria: ACMG Guidelines, 2015. Collection method: clinical testing. Allele origin: germline. Affected: yes.

Labcorp Genetics (formerly Invitae), Labcorp
Classification: Uncertain significance for Tay-Sachs disease. Last evaluated: 2024-04-14. Review status: criteria provided, single submitter. Criteria: Invitae Variant Classification Sherloc (09022015). Collection method: clinical testing. Allele origin: germline.
Comment: This sequence change replaces alanine, which is neutral and non-polar, with aspartic acid, which is acidic and polar, at codon 418 of the HEXA protein (p.Ala418Asp). This variant is not present in population databases (gnomAD no frequency). This variant has not been reported in the literature in individuals affected with HEXA-related conditions. ClinVar contains an entry for this variant (Variation ID: 2168000). Advanced modeling of protein sequence and biophysical properties (such as structural, functional, and spatial information, amino acid conservation, physicochemical variation, residue mobility, and thermodynamic stability) performed at Invitae indicates that this missense variant is expected to disrupt HEXA protein function with a positive predictive value of 80%. In summary, the available evidence is currently insufficient to determine the role of this variant in disease. Therefore, it has been classified as a Variant of Uncertain Significance.

Natera, Inc.
Classification: Uncertain significance for Tay-Sachs disease. Last evaluated: 2025-02-14. Review status: no assertion criteria provided. Collection method: clinical testing. Allele origin: germline. Not counted in ClinVar's aggregate classification.